The following is an entry in ClinVar:

ClinVar aggregate classification (germline): Uncertain significance (1 of 4 stars; one submission).

Conditions:
F8-related disorder. Also called: F8-related condition.

Submission:

PreventionGenetics, part of Exact Sciences
Classification: Uncertain significance for F8-related condition. Last evaluated: 2026-08-28. Review status: criteria provided, single submitter. Criteria: ACMG Guidelines, 2015. Collection method: clinical testing. Allele origin: germline.
Comment: The F8 c.5597T>C variant is predicted to result in the amino acid substitution p.Val1866Ala. To our knowledge, this variant has not been reported in the literature. This variant is reported in 0.015% of alleles in individuals of African descent in gnomAD, including one hemizygous individual. At this time, the clinical significance of this variant is uncertain due to the absence of conclusive functional and genetic evidence.

NM_000132.4(F8):c.5597T>C (p.Val1866Ala)

Gene: F8 (coagulation factor VIII; minus strand). Cytogenetic location: Xq28.
Variant type: single nucleotide variant.
Coding change: c.5597T>C on transcript NM_000132.4 (MANE Select); coding-DNA position 5597, T replaced by C.
Protein change: p.Val1866Ala; replaces valine 1866 with alanine.
Molecular consequence: missense variant.
Genome position (GRCh38, 1-based): chrX:154,904,514, A>G on the plus strand (T>C on the coding strand, the complement: F8 is on the minus strand). VCF-style: chrX-154904514-A-G. GRCh37 (hg19) VCF-style: chrX-154132789-A-G.
Other names: short protein forms V1866A.
Identifiers: ClinVar variation 5002620 (VCV005002620.1).
Genomic context (GRCh38, chrX:154,904,514, plus strand): 5'-TGAGCAGGGTTCAGTGTGTTAGTGTGGCAGACCAGAAGGGGTCCAATCAGGCCTGAGTGC[A>G]CATCTTTTTCCTAGGGAGGGAAGACATCAATCCTATGAGTATAAGCTCTCTCACCTATGA-3'
Protein context (NP_000123.1, residues 1856-1876): YFSDVDLEKD[Val1866Ala]HSGLIGPLLV